The following is an entry in ClinVar:

ClinVar aggregate classification (germline): Uncertain significance (1 of 4 stars; one submission).

Submission:

Labcorp Genetics (formerly Invitae), Labcorp
Classification: Uncertain significance. Last evaluated: 2025-02-10. Review status: criteria provided, single submitter. Criteria: Invitae Variant Classification Sherloc (09022015). Collection method: clinical testing. Allele origin: germline.
Comment: This sequence change replaces valine, which is neutral and non-polar, with isoleucine, which is neutral and non-polar, at codon 269 of the ATRN protein (p.Val269Ile). This variant is not present in population databases (gnomAD no frequency). This variant has not been reported in the literature in individuals affected with ATRN-related conditions. ClinVar contains an entry for this variant (Variation ID: 2011667). An algorithm developed to predict the effect of missense changes on protein structure and function (PolyPhen-2) suggests that this variant is likely to be tolerated. In summary, the available evidence is currently insufficient to determine the role of this variant in disease. Therefore, it has been classified as a Variant of Uncertain Significance.

NM_139321.3(ATRN):c.805G>A (p.Val269Ile)

Gene: ATRN (attractin; plus strand). Cytogenetic location: 20p13.
Variant type: single nucleotide variant.
Coding change: c.805G>A on transcript NM_139321.3 (MANE Select); coding-DNA position 805, G replaced by A.
Protein change: p.Val269Ile; replaces valine 269 with isoleucine.
Molecular consequence: missense variant.
Genome position (GRCh38, 1-based): chr20:3,547,351, G>A. VCF-style: chr20-3547351-G-A. GRCh37 (hg19) VCF-style: chr20-3527998-G-A.
Other names: c.457G>A, p.Val153Ile (NM_001207047.3); c.805G>A, p.Val269Ile (NM_001323332.2, NM_139322.4); short protein forms V269I, V153I.
Identifiers: ClinVar variation 2011667 (VCV002011667.4), dbSNP rs2514494234, ClinGen allele CA408253205.